The following is an entry in ClinVar:

ClinVar aggregate classification (germline): Benign/Likely benign. Review status: criteria provided, multiple submitters, no conflicts (2 of 4 stars). 3 submissions from 3 submitters: Benign (1); Likely benign (2). Last evaluated 2026-07-13.

Conditions:
Hereditary cancer-predisposing syndrome. Also called: Hereditary neoplastic syndrome; Neoplastic Syndromes, Hereditary; Tumor predisposition; Hereditary Cancer Syndrome. Identifiers: Orphanet 140162, MedGen C0027672, MeSH D009386, MONDO:0015356.
Rhabdoid tumor predisposition syndrome 2 (RTPS2). Identifiers: Orphanet 231108, Orphanet 69077, MedGen C2750074, MONDO:0013224, OMIM 613325.

Allele frequency attached by ClinVar (database versions not stated): gnomAD exomes below 0.00001 and 0.00004; TOPMed below 0.00001; ExAC 0.00001; gnomAD 0.00001.
gnomAD v4.1: 27 of 1,613,922 alleles (0.0017%); highest among the groups gnomAD compares: East Asian, 0.056%; no homozygotes.

Submissions (3):

Myriad Genetics, Inc.
Classification: Benign for Rhabdoid tumor predisposition syndrome 2. Last evaluated: 2026-07-13. Review status: criteria provided, single submitter. Criteria: Myriad Autosomal Dominant, Autosomal Recessive and X-Linked Classification Criteria (2023). Collection method: clinical testing. Allele origin: unknown.
Comment: This variant is considered benign. This variant is a silent/synonymous amino acid change and it is not expected to impact splicing.

Labcorp Genetics (formerly Invitae), Labcorp
Classification: Likely benign for Rhabdoid tumor predisposition syndrome 2. Last evaluated: 2026-01-20. Review status: criteria provided, single submitter. Criteria: Invitae Variant Classification Sherloc (09022015). Collection method: clinical testing. Allele origin: germline.

Ambry Genetics
Classification: Likely benign for Hereditary cancer-predisposing syndrome. Last evaluated: 2015-09-28. Review status: criteria provided, single submitter. Criteria: Ambry Variant Classification Scheme 2023. Collection method: clinical testing. Allele origin: germline.

NM_003072.5(SMARCA4):c.2412G>T (p.Gly804=)

Gene: SMARCA4 (SWI/SNF related BAF chromatin remodeling complex subunit ATPase 4; plus strand). Cytogenetic location: 19p13.2.
Variant type: single nucleotide variant.
Coding change: c.2412G>T on transcript NM_003072.5 (MANE Select); coding-DNA position 2412, G replaced by T.
Protein change: p.Gly804=; no amino-acid change (glycine 804 retained).
Molecular consequence: synonymous variant. On other transcripts: non-coding transcript variant (1).
Genome position (GRCh38, 1-based): chr19:11,013,086, G>T. VCF-style: chr19-11013086-G-T. GRCh37 (hg19) VCF-style: chr19-11123762-G-T.
Other names: c.2412G>T, p.Gly804= (NM_001128844.3, NM_001128845.2, NM_001128846.2 and 4 more transcripts).
Identifiers: ClinVar variation 700658 (VCV000700658.16), dbSNP rs748763687, ClinGen allele CA9204097.